The following is an entry in ClinVar:

ClinVar aggregate classification (germline): Pathogenic (1 of 4 stars; one submission).

Conditions:
Arrhythmogenic right ventricular dysplasia 8 (ARVD8). Also called: Arrhythmogenic Right Ventricular Dysplasia/Cardiomyopathy 8; ARRHYTHMOGENIC RIGHT VENTRICULAR CARDIOMYOPATHY 8; ARRHYTHMOGENIC RIGHT VENTRICULAR DYSPLASIA, FAMILIAL, 8. Identifiers: MedGen C1843896, MONDO:0011831, OMIM 607450.
Arrhythmogenic cardiomyopathy with wooly hair and keratoderma. Also called: Dilated cardiomyopathy with woolly hair and keratoderma; Arrhythmogenic cardiomyopathy with woolly hair and keratoderma; PALMOPLANTAR KERATODERMA WITH LEFT VENTRICULAR CARDIOMYOPATHY AND WOOLLY HAIR; Carvajal syndrome. Identifiers: Orphanet 65282, MedGen C1854063, MONDO:0011581, OMIM 605676.

Submission:

Labcorp Genetics (formerly Invitae), Labcorp
Classification: Pathogenic for Arrhythmogenic cardiomyopathy with wooly hair and keratoderma; Arrhythmogenic right ventricular dysplasia 8. Last evaluated: 2021-09-04. Review status: criteria provided, single submitter. Criteria: Invitae Variant Classification Sherloc (09022015). Collection method: clinical testing. Allele origin: germline.
Comment: This variant disrupts a region of the DSP protein in which other variant(s) (p.Ile2359Serfs*10) have been determined to be pathogenic (PMID: 20400443, 21859740, 28527814). This suggests that this is a clinically significant region of the protein, and that variants that disrupt it are likely to be disease-causing. For these reasons, this variant has been classified as Pathogenic. This variant has not been reported in the literature in individuals affected with DSP-related conditions. This sequence change creates a premature translational stop signal (p.Gly2256Valfs*5) in the DSP gene. While this is not anticipated to result in nonsense mediated decay, it is expected to disrupt the last 616 amino acid(s) of the DSP protein. This variant is not present in population databases (ExAC no frequency).

Literature cited by the submitters: PubMed 20400443; PubMed 21859740; PubMed 28527814.

NM_004415.4(DSP):c.6767del (p.Gly2256fs)

Gene: DSP (desmoplakin; plus strand). Cytogenetic location: 6p24.3.
Variant type: Deletion.
Coding change: c.6767del on transcript NM_004415.4 (MANE Select); coding-DNA position 6767, one base deleted (G; older notation c.6767delG).
Protein change: p.Gly2256fs; shifts the reading frame from glycine 2256.
Molecular consequence: frameshift variant.
Genome position (GRCh38, 1-based): chr6:7,584,029, G deleted; the last of 3 consecutive G bases (chr6:7,584,027-7,584,029); deleting any one gives the same sequence. VCF-style (leftmost placement, unchanged base first): chr6-7584026-AG-A. GRCh37 (hg19) VCF-style: chr6-7584259-AG-A.
Other names: c.4970del, p.Gly1657fs (NM_001008844.3); c.5438del, p.Gly1813fs (NM_001319034.2); short protein forms G1813fs, G2256fs, G1657fs.
Identifiers: ClinVar variation 863260 (VCV000863260.8), dbSNP rs1759546885, ClinGen allele CA916081481.
Genomic context (GRCh38, chr6:7,584,026, plus strand): 5'-AACTGGAATCTGGTCAGATTTCTTATGACGAGGTTGGTGAGAGAATTAAGGACTTCCTCC[AG>A]GGTTCAAGCTGCATAGCAGGCATATACAATGAGACCACAAAACAGAAGCTTGGCATTTAT-3'